The following is an entry in ClinVar:

ClinVar aggregate classification (germline): Uncertain significance (1 of 4 stars; one submission).

Submission:

Labcorp Genetics (formerly Invitae), Labcorp
Classification: Uncertain significance. Last evaluated: 2024-02-23. Review status: criteria provided, single submitter. Criteria: Invitae Variant Classification Sherloc (09022015). Collection method: clinical testing. Allele origin: germline.
Comment: This sequence change replaces serine, which is neutral and polar, with threonine, which is neutral and polar, at codon 741 of the MSH3 protein (p.Ser741Thr). This variant is not present in population databases (gnomAD no frequency). This variant has not been reported in the literature in individuals affected with MSH3-related conditions. ClinVar contains an entry for this variant (Variation ID: 957434). An algorithm developed to predict the effect of missense changes on protein structure and function (PolyPhen-2) suggests that this variant is likely to be tolerated. In summary, the available evidence is currently insufficient to determine the role of this variant in disease. Therefore, it has been classified as a Variant of Uncertain Significance.

NM_002439.5(MSH3):c.2221T>A (p.Ser741Thr)

Gene: MSH3 (mutS homolog 3; plus strand). Cytogenetic location: 5q14.1.
Variant type: single nucleotide variant.
Coding change: c.2221T>A on transcript NM_002439.5 (MANE Select); coding-DNA position 2221, T replaced by A.
Protein change: p.Ser741Thr; replaces serine 741 with threonine.
Molecular consequence: missense variant.
Genome position (GRCh38, 1-based): chr5:80,768,971, T>A. VCF-style: chr5-80768971-T-A. GRCh37 (hg19) VCF-style: chr5-80064790-T-A.
Other names: short protein forms S741T.
Identifiers: ClinVar variation 957434 (VCV000957434.9), dbSNP rs1744171168, ClinGen allele CA360279699.
Genomic context (GRCh38, chr5:80,768,971, plus strand): 5'-GGTGTTATTGACGAGATCCGAATGCATTTGCAAGAAATACGAAAAATACTAAAAAATCCT[T>A]CTGCACAATATGTGACAGTATCAGGACAGGAGGTAATGTCAAGCTTACTTTTATTTTCTA-3'
Protein context (NP_002430.3, residues 731-751): QEIRKILKNP[Ser741Thr]AQYVTVSGQE